The following is an entry in ClinVar:

NM_001018115.3(FANCD2):c.3343G>A (p.Val1115Ile)

Genes: FANCD2 (FA complementation group D2; plus strand), FANCD2OS (FANCD2 opposite strand; minus strand). Cytogenetic location: 3p25.3.
Variant type: single nucleotide variant.
Coding change: c.3343G>A on transcript NM_001018115.3 (MANE Select); coding-DNA position 3343, G replaced by A.
Protein change: p.Val1115Ile; replaces valine 1115 with isoleucine.
Molecular consequence: missense variant. On other transcripts: intron variant (1).
Genome position (GRCh38, 1-based): chr3:10,087,141, G>A. VCF-style: chr3-10087141-G-A. GRCh37 (hg19) VCF-style: chr3-10128825-G-A.
Other names: c.3343G>A, p.Val1115Ile (NM_001319984.2, NM_001374254.1, NM_033084.6); c.3232G>A, p.Val1078Ile (NM_001374253.1); c.*44-5610C>T (NM_173472.2); short protein forms V1078I, V1115I.
Identifiers: ClinVar variation 861648 (VCV000861648.10), dbSNP rs200800132, ClinGen allele CA2250364.

ClinVar aggregate classification (germline): Uncertain significance. Review status: criteria provided, multiple submitters, no conflicts (2 of 4 stars). 2 submissions from 2 submitters: Uncertain significance (2). Last evaluated 2024-11-18.

Conditions:
Fanconi anemia (FA). Also called: Fanconi's anemia. Identifiers: Orphanet 84, MedGen C0015625, MeSH D005199, MONDO:0019391.
Fanconi anemia complementation group D2. Also called: FANCD2-Related Fanconi Anemia; FANCONI PANCYTOPENIA, TYPE 4; FANCONI ANEMIA, COMPLEMENTATION GROUP D. Identifiers: Orphanet 84, MedGen C3160738, MONDO:0009214, OMIM 227646.

Allele frequency attached by ClinVar (database versions not stated): 1000 Genomes Project 0.00040; gnomAD exomes 0.00003 and 0.00004; ExAC 0.00002; TOPMed 0.00006; 1000 Genomes Project 30x 0.00031; gnomAD 0.00004 and 0.00006.
gnomAD v4.1: 56 of 1,614,020 alleles (0.0035%); highest among the groups gnomAD compares: Middle Eastern, 0.033%; 1 homozygote.

Submissions (2):

Labcorp Genetics (formerly Invitae), Labcorp
Classification: Uncertain significance for Fanconi anemia. Last evaluated: 2024-11-18. Review status: criteria provided, single submitter. Criteria: Invitae Variant Classification Sherloc (09022015). Collection method: clinical testing. Allele origin: germline.
Comment: This sequence change replaces valine, which is neutral and non-polar, with isoleucine, which is neutral and non-polar, at codon 1115 of the FANCD2 protein (p.Val1115Ile). This variant is present in population databases (rs200800132, gnomAD 0.03%), including at least one homozygous and/or hemizygous individual. This variant has not been reported in the literature in individuals affected with FANCD2-related conditions. ClinVar contains an entry for this variant (Variation ID: 861648). Invitae Evidence Modeling of protein sequence and biophysical properties (such as structural, functional, and spatial information, amino acid conservation, physicochemical variation, residue mobility, and thermodynamic stability) indicates that this missense variant is not expected to disrupt FANCD2 protein function with a negative predictive value of 80%. In summary, the available evidence is currently insufficient to determine the role of this variant in disease. Therefore, it has been classified as a Variant of Uncertain Significance.

Fulgent Genetics
Classification: Uncertain significance for Fanconi anemia complementation group D2. Last evaluated: 2024-05-06. Review status: criteria provided, single submitter. Criteria: ACMG Guidelines, 2015. Collection method: clinical testing. Allele origin: germline.